The following is an entry in ClinVar:

ClinVar aggregate classification (germline): Likely benign. Review status: criteria provided, multiple submitters, no conflicts (2 of 4 stars). 2 submissions from 2 submitters: Likely benign (2). Last evaluated 2025-12-14.

Allele frequency attached by ClinVar (database versions not stated): gnomAD exomes 0.00001; TOPMed 0.00002; gnomAD 0.00003.
gnomAD v4.1: 15 of 1,613,472 alleles (0.00093%); highest among the groups gnomAD compares: African/African-American, 0.0053%; no homozygotes.

Submissions (2):

Labcorp Genetics (formerly Invitae), Labcorp
Classification: Likely benign. Last evaluated: 2025-12-14. Review status: criteria provided, single submitter. Criteria: Invitae Variant Classification Sherloc (09022015). Collection method: clinical testing. Allele origin: germline.

GeneDx
Classification: Likely benign. Last evaluated: 2017-11-28. Review status: criteria provided, single submitter. Criteria: GeneDx Variant Classification (06012015). Collection method: clinical testing. Allele origin: germline. Affected: yes.
Comment: This variant is considered likely benign or benign based on one or more of the following criteria: it is a conservative change, it occurs at a poorly conserved position in the protein, it is predicted to be benign by multiple in silico algorithms, and/or has population frequency not consistent with disease.

NM_000094.4(COL7A1):c.3714C>T (p.Phe1238=)

Gene: COL7A1 (collagen type VII alpha 1 chain; minus strand). Cytogenetic location: 3p21.31.
Variant type: single nucleotide variant.
Coding change: c.3714C>T on transcript NM_000094.4 (MANE Select); coding-DNA position 3714, C replaced by T.
Protein change: p.Phe1238=; no amino-acid change (phenylalanine 1238 retained).
Molecular consequence: synonymous variant.
Genome position (GRCh38, 1-based): chr3:48,586,083, G>A on the plus strand (C>T on the coding strand, the complement: COL7A1 is on the minus strand). VCF-style: chr3-48586083-G-A. GRCh37 (hg19) VCF-style: chr3-48623516-G-A.
Identifiers: ClinVar variation 513944 (VCV000513944.10), dbSNP rs1380863838, ClinGen allele CA433543961.